The following is an entry in ClinVar:

NM_022455.5(NSD1):c.2848G>A (p.Val950Ile)

Gene: NSD1 (nuclear receptor binding SET domain protein 1; plus strand). Cytogenetic location: 5q35.3.
Variant type: single nucleotide variant.
Coding change: c.2848G>A on transcript NM_022455.5 (MANE Select); coding-DNA position 2848, G replaced by A.
Protein change: p.Val950Ile; replaces valine 950 with isoleucine.
Molecular consequence: missense variant.
Genome position (GRCh38, 1-based): chr5:177,211,247, G>A. VCF-style: chr5-177211247-G-A. GRCh37 (hg19) VCF-style: chr5-176638248-G-A.
Other names: c.1975G>A, p.Val659Ile (NM_001365684.2, NM_001409306.1, NM_001409307.1 and 3 more transcripts); c.2848G>A, p.Val950Ile (NM_001409301.1, NM_001409302.1, NM_001409303.1); c.2428G>A, p.Val810Ile (NM_001409304.1); c.2095G>A, p.Val699Ile (NM_001409305.1); short protein forms V810I, V659I, V699I, V950I.
Identifiers: ClinVar variation 3670106 (VCV003670106.2).

ClinVar aggregate classification (germline): Uncertain significance (1 of 4 stars; one submission).

Submission:

Labcorp Genetics (formerly Invitae), Labcorp
Classification: Uncertain significance. Last evaluated: 2023-10-15. Review status: criteria provided, single submitter. Criteria: Invitae Variant Classification Sherloc (09022015). Collection method: clinical testing. Allele origin: germline.
Comment: This sequence change replaces valine, which is neutral and non-polar, with isoleucine, which is neutral and non-polar, at codon 950 of the NSD1 protein (p.Val950Ile). This variant is not present in population databases (gnomAD no frequency). This variant has not been reported in the literature in individuals affected with NSD1-related conditions. Advanced modeling of protein sequence and biophysical properties (such as structural, functional, and spatial information, amino acid conservation, physicochemical variation, residue mobility, and thermodynamic stability) performed at Invitae indicates that this missense variant is not expected to disrupt NSD1 protein function. In summary, the available evidence is currently insufficient to determine the role of this variant in disease. Therefore, it has been classified as a Variant of Uncertain Significance.